The following is an entry in ClinVar:

ClinVar aggregate classification (germline): Uncertain significance (1 of 4 stars; one submission).

gnomAD v4.1: 1 of 1,614,090 alleles (0.000062%); highest among the groups gnomAD compares: Non-Finnish European, 0.000085%; no homozygotes.

Submission:

Labcorp Genetics (formerly Invitae), Labcorp
Classification: Uncertain significance. Last evaluated: 2024-12-19. Review status: criteria provided, single submitter. Criteria: Invitae Variant Classification Sherloc (09022015). Collection method: clinical testing. Allele origin: germline.
Comment: This sequence change replaces arginine, which is basic and polar, with glutamine, which is neutral and polar, at codon 1611 of the MTOR protein (p.Arg1611Gln). This variant is not present in population databases (gnomAD no frequency). This variant has not been reported in the literature in individuals affected with MTOR-related conditions. Invitae Evidence Modeling of protein sequence and biophysical properties (such as structural, functional, and spatial information, amino acid conservation, physicochemical variation, residue mobility, and thermodynamic stability) indicates that this missense variant is not expected to disrupt MTOR protein function with a negative predictive value of 95%. In summary, the available evidence is currently insufficient to determine the role of this variant in disease. Therefore, it has been classified as a Variant of Uncertain Significance.

NM_004958.4(MTOR):c.4832G>A (p.Arg1611Gln)

Genes: MTOR (mechanistic target of rapamycin kinase; minus strand), MTOR-AS1 (MTOR antisense RNA 1; plus strand). Cytogenetic location: 1p36.22.
Variant type: single nucleotide variant.
Coding change: c.4832G>A on transcript NM_004958.4 (MANE Select); coding-DNA position 4832, G replaced by A.
Protein change: p.Arg1611Gln; replaces arginine 1611 with glutamine.
Molecular consequence: missense variant. On other transcripts: non-coding transcript variant (1).
Genome position (GRCh38, 1-based): chr1:11,144,688, C>T on the plus strand (G>A on the coding strand, the complement: MTOR is on the minus strand). VCF-style: chr1-11144688-C-T. GRCh37 (hg19) VCF-style: chr1-11204745-C-T.
Other names: c.4832G>A, p.Arg1611Gln (NM_001386500.1); c.3584G>A, p.Arg1195Gln (NM_001386501.1); short protein forms R1195Q, R1611Q.
Identifiers: ClinVar variation 3633486 (VCV003633486.2).